The following is an entry in ClinVar:

NM_000238.4(KCNH2):c.544_556del (p.Ser182fs)

Gene: KCNH2 (potassium voltage-gated channel subfamily H member 2; minus strand). Cytogenetic location: 7q36.1.
Variant type: Deletion.
Coding change: c.544_556del on transcript NM_000238.4 (MANE Select); coding-DNA positions 544 to 556, 13 bases deleted (TCGGGCGGCGCGG).
Protein change: p.Ser182fs; shifts the reading frame from serine 182.
Molecular consequence: frameshift variant.
Genome position (GRCh38, 1-based): chr7:150,958,419-150,958,431, CCGCGCCGCCCGA deleted on the plus strand (TCGGGCGGCGCGG on the coding strand, the reverse complement: KCNH2 is on the minus strand); deleting any 13 consecutive bases within chr7:150,958,419-150,958,435 gives the same sequence; the c. name uses the placement nearest the transcript's 3' end. VCF-style (leftmost placement, unchanged base first): chr7-150958418-CCCGCGCCGCCCGA-C. GRCh37 (hg19) VCF-style: chr7-150655506-CCCGCGCCGCCCGA-C.
Other names: c.252_264delGCGGTCGGGCGGC, p.Ser86Alafs (NM_001406753.1, NM_001406756.1); c.363_375delGCGGTCGGGCGGC, p.Ser123Alafs (NM_001406755.1); c.240_252delGCGGTCGGGCGGC, p.Ser82Alafs (NM_001406757.1); c.540_552delGCGGTCGGGCGGC, p.Ser182Alafs (NM_172056.3); short protein forms S182fs.
Identifiers: ClinVar variation 1069329 (VCV001069329.9), dbSNP rs2117006599, ClinGen allele CA2499218814.

ClinVar aggregate classification (germline): Pathogenic (1 of 4 stars; one submission).

Conditions:
Long QT syndrome (LQTS). Identifiers: MedGen C0023976, MeSH D008133, MONDO:0002442. Disease mechanism: loss of function. Inheritance: Various modes of inheritance.

Submission:

Labcorp Genetics (formerly Invitae), Labcorp
Classification: Pathogenic for Long QT syndrome. Last evaluated: 2021-05-06. Review status: criteria provided, single submitter. Criteria: Invitae Variant Classification Sherloc (09022015). Collection method: clinical testing. Allele origin: germline.
Comment: This sequence change creates a premature translational stop signal (p.Ser182Alafs*15) in the KCNH2 gene. It is expected to result in an absent or disrupted protein product. Loss-of-function variants in KCNH2 are known to be pathogenic (PMID: 10973849, 19862833). The frequency data for this variant in the population databases is considered unreliable, as metrics indicate insufficient coverage at this position in the ExAC database. This variant has not been reported in the literature in individuals with KCNH2-related conditions. For these reasons, this variant has been classified as Pathogenic.

Literature cited by the submitters: PubMed 10973849; PubMed 19862833.